The following is an entry in ClinVar:

NM_001378778.1(MPDZ):c.967A>G (p.Arg323Gly)

Gene: MPDZ (multiple PDZ domain crumbs cell polarity complex component; minus strand). Cytogenetic location: 9p23.
Variant type: single nucleotide variant.
Coding change: c.967A>G on transcript NM_001378778.1 (MANE Select); coding-DNA position 967, A replaced by G.
Protein change: p.Arg323Gly; replaces arginine 323 with glycine.
Molecular consequence: missense variant.
Genome position (GRCh38, 1-based): chr9:13,219,678, T>C on the plus strand (A>G on the coding strand, the complement: MPDZ is on the minus strand). VCF-style: chr9-13219678-T-C. GRCh37 (hg19) VCF-style: chr9-13219677-T-C.
Other names: c.967A>G (NM_003829.3); c.967A>G, p.Arg323Gly (NM_001261406.2, NM_001261407.2, NM_001330637.2 and 14 more transcripts); short protein forms R323G.
Identifiers: ClinVar variation 2178259 (VCV002178259.2), dbSNP rs775330884, ClinGen allele CA4987947.
Genomic context (GRCh38, chr9:13,219,678, plus strand): 5'-CTGTACGTTCTTCTATGGCACCTCTTGCAATCATCAACTTAACTCTATTTCCACATTGCC[T>C]AAGGACTTGTGCTACTTGCTCACTGCTCATTCCTGCTAGATCTGTGTCACCAATCTTTAG-3'
Protein context (NP_001365707.1, residues 313-333): MSSEQVAQVL[Arg323Gly]QCGNRVKLMI

ClinVar aggregate classification (germline): Uncertain significance. Review status: criteria provided, multiple submitters, no conflicts (2 of 4 stars). 2 submissions from 2 submitters: Uncertain significance (2). Last evaluated 2025-09-22.

Conditions:
Inborn genetic diseases. Identifiers: MedGen C0950123, MeSH D030342.

Allele frequency attached by ClinVar (database versions not stated): gnomAD exomes 0.00003; gnomAD 0.00001; ExAC 0.00002; TOPMed 0.00005.
gnomAD v4.1: 46 of 1,612,712 alleles (0.0029%); highest among the groups gnomAD compares: Middle Eastern, 0.016%; no homozygotes.

Submissions (2):

Ambry Genetics
Classification: Uncertain significance for Inborn genetic diseases. Last evaluated: 2025-09-22. Review status: criteria provided, single submitter. Criteria: Ambry Variant Classification Scheme 2023. Collection method: clinical testing. Allele origin: germline.

Labcorp Genetics (formerly Invitae), Labcorp
Classification: Uncertain significance. Last evaluated: 2022-07-06. Review status: criteria provided, single submitter. Criteria: Invitae Variant Classification Sherloc (09022015). Collection method: clinical testing. Allele origin: germline.
Comment: This sequence change replaces arginine, which is basic and polar, with glycine, which is neutral and non-polar, at codon 323 of the MPDZ protein (p.Arg323Gly). This variant is present in population databases (rs775330884, gnomAD 0.005%). This variant has not been reported in the literature in individuals affected with MPDZ-related conditions. Algorithms developed to predict the effect of missense changes on protein structure and function (SIFT, PolyPhen-2, Align-GVGD) all suggest that this variant is likely to be disruptive. In summary, the available evidence is currently insufficient to determine the role of this variant in disease. Therefore, it has been classified as a Variant of Uncertain Significance.